The following is an entry in ClinVar:

NM_001042545.2(LTBP4):c.3341G>A (p.Arg1114Gln)

Gene: LTBP4 (latent transforming growth factor beta binding protein 4; plus strand). Cytogenetic location: 19q13.2.
Variant type: single nucleotide variant.
Coding change: c.3341G>A on transcript NM_001042545.2 (MANE Select); coding-DNA position 3341, G replaced by A.
Protein change: p.Arg1114Gln; replaces arginine 1114 with glutamine.
Molecular consequence: missense variant.
Genome position (GRCh38, 1-based): chr19:40,622,524, G>A. VCF-style: chr19-40622524-G-A. GRCh37 (hg19) VCF-style: chr19-41128429-G-A.
Other names: c.3542G>A, p.Arg1181Gln (NM_001042544.1); c.3431G>A, p.Arg1144Gln (NM_003573.2); short protein forms R1114Q, R1144Q, R1181Q.
Identifiers: ClinVar variation 3391529 (VCV003391529.2).

ClinVar aggregate classification (germline): Uncertain significance (1 of 4 stars; one submission).

Submission:

GeneDx
Classification: Uncertain significance. Last evaluated: 2026-03-12. Review status: criteria provided, single submitter. Criteria: GeneDx Variant Classification Process June 2021. Collection method: clinical testing. Allele origin: germline.
Comment: Not observed at significant frequency in large population cohorts (gnomAD); In silico analysis supports that this missense variant has a deleterious effect on protein structure/function; Has not been previously published as pathogenic or benign to our knowledge